The following is an entry in ClinVar:

ClinVar aggregate classification (germline): Conflicting classifications of pathogenicity. Review status: criteria provided, conflicting classifications (1 of 4 stars). 5 submissions from 5 submitters: Uncertain significance (4); Benign (1). Last evaluated 2025-12-31.

Conditions:
BAP1-related disorder. Also called: BAP1-related condition.
Hereditary cancer-predisposing syndrome. Also called: Tumor predisposition; Hereditary Cancer Syndrome; Neoplastic Syndromes, Hereditary; Hereditary neoplastic syndrome. Identifiers: Orphanet 140162, MedGen C0027672, MeSH D009386, MONDO:0015356.
BAP1-related tumor predisposition syndrome (TPDS1). Also called: Tumor susceptibility linked to germline BAP1 mutations; BAP1 tumor predisposition syndrome; COMMON Syndrome; TUMOR PREDISPOSITION SYNDROME 1. Identifiers: Orphanet 289539, MedGen C3280492, MONDO:0013692, OMIM 614327.

Allele frequency attached by ClinVar (database versions not stated): gnomAD exomes below 0.00001; ExAC 0.00001; gnomAD 0.00001; TOPMed 0.00001; ESP Exome Variant Server 0.00008.
gnomAD v4.1: 7 of 1,613,946 alleles (0.00043%); highest among the groups gnomAD compares: East Asian, 0.0022%; no homozygotes.

Submissions (5):

Labcorp Genetics (formerly Invitae), Labcorp
Classification: Uncertain significance for BAP1-related tumor predisposition syndrome. Last evaluated: 2025-12-31. Review status: criteria provided, single submitter. Criteria: Invitae Variant Classification Sherloc (09022015). Collection method: clinical testing. Allele origin: germline.
Comment: This sequence change replaces arginine, which is basic and polar, with histidine, which is basic and polar, at codon 545 of the BAP1 protein (p.Arg545His). This variant is present in population databases (rs71651687, gnomAD 0.002%). This variant has not been reported in the literature in individuals affected with BAP1-related conditions. ClinVar contains an entry for this variant (Variation ID: 485277). Invitae Evidence Modeling of protein sequence and biophysical properties (such as structural, functional, and spatial information, amino acid conservation, physicochemical variation, residue mobility, and thermodynamic stability) indicates that this missense variant is not expected to disrupt BAP1 protein function with a negative predictive value of 80%. In summary, the available evidence is currently insufficient to determine the role of this variant in disease. Therefore, it has been classified as a Variant of Uncertain Significance.

Ambry Genetics
Classification: Benign for Hereditary cancer-predisposing syndrome. Last evaluated: 2025-12-16. Review status: criteria provided, single submitter. Criteria: Ambry Variant Classification Scheme 2023. Collection method: clinical testing. Allele origin: germline.

GeneDx
Classification: Uncertain significance. Last evaluated: 2025-06-26. Review status: criteria provided, single submitter. Criteria: GeneDx Variant Classification Process June 2021. Collection method: clinical testing. Allele origin: germline. Affected: yes.
Comment: Not observed at significant frequency in large population cohorts (gnomAD); In silico analysis suggests that this missense variant does not alter protein structure/function; Has not been previously published as pathogenic or benign to our knowledge

Color Diagnostics, LLC DBA Color Health
Classification: Uncertain significance for Hereditary cancer-predisposing syndrome. Last evaluated: 2024-03-06. Review status: criteria provided, single submitter. Criteria: ACMG Guidelines, 2015. Collection method: clinical testing. Allele origin: germline.
Comment: This missense variant replaces arginine with histidine at codon 545 of the BAP1 protein. Computational prediction suggests that this variant may not impact protein structure and function (internally defined REVEL score threshold <= 0.5, PMID: 27666373). To our knowledge, functional studies have not been reported for this variant. This variant has not been reported in individuals affected with hereditary cancer in the literature. This variant has been identified in 1/251134 chromosomes in the general population by the Genome Aggregation Database (gnomAD). The available evidence is insufficient to determine the role of this variant in disease conclusively. Therefore, this variant is classified as a Variant of Uncertain Significance.

PreventionGenetics, part of Exact Sciences
Classification: Uncertain significance for BAP1-related condition. Last evaluated: 2022-11-04. Review status: criteria provided, single submitter. Criteria: ACMG Guidelines, 2015. Collection method: clinical testing. Allele origin: germline.
Comment: The BAP1 c.1634G>A variant is predicted to result in the amino acid substitution p.Arg545His. To our knowledge, this variant has not been reported in the literature. This variant is reported in 0.00088% of alleles in individuals of European (Non-Finnish) descent in gnomAD and is interpreted as uncertain significance in ClinVar. At this time, the clinical significance of this variant is uncertain due to the absence of conclusive functional and genetic evidence.

NM_004656.4(BAP1):c.1634G>A (p.Arg545His)

Gene: BAP1 (BRCA1 associated deubiquitinase 1; minus strand). Cytogenetic location: 3p21.1.
Variant type: single nucleotide variant.
Coding change: c.1634G>A on transcript NM_004656.4 (MANE Select); coding-DNA position 1634, G replaced by A.
Protein change: p.Arg545His; replaces arginine 545 with histidine.
Molecular consequence: missense variant.
Genome position (GRCh38, 1-based): chr3:52,403,511, C>T on the plus strand (G>A on the coding strand, the complement: BAP1 is on the minus strand). VCF-style: chr3-52403511-C-T. GRCh37 (hg19) VCF-style: chr3-52437527-C-T.
Other names: c.1634G>A (LRG_529t1); short protein forms R545H.
Identifiers: ClinVar variation 485277 (VCV000485277.20), dbSNP rs71651687, ClinGen allele CA2436766.